The following is an entry in ClinVar:

NM_152594.3(SPRED1):c.619A>G (p.Arg207Gly)

Gene: SPRED1 (sprouty related EVH1 domain containing 1; plus strand). Cytogenetic location: 15q14.
Variant type: single nucleotide variant.
Coding change: c.619A>G on transcript NM_152594.3 (MANE Select); coding-DNA position 619, A replaced by G.
Protein change: p.Arg207Gly; replaces arginine 207 with glycine.
Molecular consequence: missense variant.
Genome position (GRCh38, 1-based): chr15:38,349,458, A>G. VCF-style: chr15-38349458-A-G. GRCh37 (hg19) VCF-style: chr15-38641659-A-G.
Other names: short protein forms R207G.
Identifiers: ClinVar variation 5030107 (VCV005030107.1).

ClinVar aggregate classification (germline): Uncertain significance (1 of 4 stars; one submission).

Conditions:
Cardiovascular phenotype. Identifiers: MedGen CN230736.

Submission:

Ambry Genetics
Classification: Uncertain significance for Cardiovascular phenotype. Last evaluated: 2026-07-04. Review status: criteria provided, single submitter. Criteria: Ambry Variant Classification Scheme 2023. Collection method: clinical testing. Allele origin: germline.
Comment: The p.R207G variant (also known as c.619A>G), located in coding exon 6 of the SPRED1 gene, results from an A to G substitution at nucleotide position 619. The arginine at codon 207 is replaced by glycine, an amino acid with dissimilar properties. This amino acid position is conserved. In addition, the in silico prediction for this alteration is inconclusive. Based on the available evidence, the clinical significance of this variant remains unclear.